The following is an entry in ClinVar:

ClinVar aggregate classification (germline): Uncertain significance (1 of 4 stars; one submission).

Conditions:
Cardiovascular phenotype. Identifiers: MedGen CN230736.

Submission:

Ambry Genetics
Classification: Uncertain significance for Cardiovascular phenotype. Last evaluated: 2023-02-26. Review status: criteria provided, single submitter. Criteria: Ambry Variant Classification Scheme 2023. Collection method: clinical testing. Allele origin: germline.
Comment: The p.D988N variant (also known as c.2962G>A), located in coding exon 19 of the APOB gene, results from a G to A substitution at nucleotide position 2962. The aspartic acid at codon 988 is replaced by asparagine, an amino acid with highly similar properties. This amino acid position is conserved. In addition, this alteration is predicted to be tolerated by in silico analysis. Since supporting evidence is limited at this time, the clinical significance of this alteration remains unclear.

NM_000384.3(APOB):c.2962G>A (p.Asp988Asn)

Gene: APOB (apolipoprotein B; minus strand). Cytogenetic location: 2p24.1.
Variant type: single nucleotide variant.
Coding change: c.2962G>A on transcript NM_000384.3 (MANE Select); coding-DNA position 2962, G replaced by A.
Protein change: p.Asp988Asn; replaces aspartic acid 988 with asparagine.
Molecular consequence: missense variant.
Genome position (GRCh38, 1-based): chr2:21,019,760, C>T on the plus strand (G>A on the coding strand, the complement: APOB is on the minus strand). VCF-style: chr2-21019760-C-T. GRCh37 (hg19) VCF-style: chr2-21242632-C-T.
Other names: short protein forms D988N.
Identifiers: ClinVar variation 2451338 (VCV002451338.2), dbSNP rs2465398447, ClinGen allele CA346010146.
Genomic context (GRCh38, chr2:21,019,760, plus strand): 5'-GTCAGGCACTGAGCATCTCTAACCTGGTGTCCCCGGTCAGCGGATAGTAGGAGGCGGAGT[C>T]TGTGGAGCTGGCGTTGGAGTAAGCGCCTGAGGTGCAGTAATTCAGGCCAGGAAAGACTTG-3'
Protein context (NP_000375.3, residues 978-998): SGAYSNASST[Asp988Asn]SASYYPLTGD